The following is an entry in ClinVar:

ClinVar aggregate classification (germline): Uncertain significance (1 of 4 stars; one submission).

Conditions:
Joubert syndrome 18 (JBTS18). Identifiers: Orphanet 2754, MedGen C3553758, MONDO:0013896, OMIM 614815.
Orofacial-digital syndrome IV (OFD4). Also called: BARAITSER-BURN SYNDROME; OFD SYNDROME WITH TIBIAL DEFECTS; OFD SYNDROME, BARAITSER-BURN TYPE; OFDS IV; ORAL-FACIAL-DIGITAL SYNDROME, TYPE IV; Orofaciodigital syndrome IV. Identifiers: Orphanet 2753, MedGen C0406727, MONDO:0009794, OMIM 258860.

Submission:

Labcorp Genetics (formerly Invitae), Labcorp
Classification: Uncertain significance for Joubert syndrome 18; Orofacial-digital syndrome IV. Last evaluated: 2022-05-15. Review status: criteria provided, single submitter. Criteria: Invitae Variant Classification Sherloc (09022015). Collection method: clinical testing. Allele origin: germline.
Comment: This sequence change replaces threonine, which is neutral and polar, with alanine, which is neutral and non-polar, at codon 254 of the TCTN3 protein (p.Thr254Ala). In summary, the available evidence is currently insufficient to determine the role of this variant in disease. Therefore, it has been classified as a Variant of Uncertain Significance. Algorithms developed to predict the effect of missense changes on protein structure and function are either unavailable or do not agree on the potential impact of this missense change (SIFT: "Deleterious"; PolyPhen-2: "Benign"; Align-GVGD: "Class C0"). This variant has not been reported in the literature in individuals affected with TCTN3-related conditions. This variant is not present in population databases (gnomAD no frequency).

NM_015631.6(TCTN3):c.760A>G (p.Thr254Ala)

Gene: TCTN3 (tectonic family member 3; minus strand). Cytogenetic location: 10q24.1.
Variant type: single nucleotide variant.
Coding change: c.760A>G on transcript NM_015631.6 (MANE Select); coding-DNA position 760, A replaced by G.
Protein change: p.Thr254Ala; replaces threonine 254 with alanine.
Molecular consequence: missense variant.
Genome position (GRCh38, 1-based): chr10:95,687,136, T>C on the plus strand (A>G on the coding strand, the complement: TCTN3 is on the minus strand). VCF-style: chr10-95687136-T-C. GRCh37 (hg19) VCF-style: chr10-97446893-T-C.
Other names: c.814A>G, p.Thr272Ala (NM_001013840.1); c.523A>G, p.Thr175Ala (NM_001143973.2); c.760A>G, p.Thr254Ala (NM_001410982.1); short protein forms T175A, T272A, T254A.
Identifiers: ClinVar variation 1994647 (VCV001994647.4), dbSNP rs2492761267, ClinGen allele CA377707394.
Genomic context (GRCh38, chr10:95,687,136, plus strand): 5'-CATTGAGGGCTGAATCCAAGGTACAGCTACTAGCCAGGTTCTTGAAAAAACGAGTGCAAG[T>C]TGTACTTTTACTCTCTAGGAAACCTTAAACACAAATAATTAAGAGAGTGGTAAATGAGAA-3'
Protein context (NP_056446.4, residues 244-264): PAGFLESKST[Thr254Ala]CTRFFKNLAS